The following is an entry in ClinVar:

ClinVar aggregate classification (germline): Uncertain significance (1 of 4 stars; one submission).

Submission:

GeneDx
Classification: Uncertain significance. Last evaluated: 2019-06-20. Review status: criteria provided, single submitter. Criteria: GeneDx Variant Classification Process June 2021. Collection method: clinical testing. Allele origin: germline. Affected: yes.
Comment: Not observed in large population cohorts (Lek et al., 2016); In silico analysis, which includes protein predictors and evolutionary conservation, supports a deleterious effect; Has not been previously published as pathogenic or benign to our knowledge

NM_015425.6(POLR1A):c.2767G>A (p.Gly923Ser)

Genes: POLR1A (RNA polymerase I subunit A; minus strand), LOC126806263 (BRD4-independent group 4 enhancer GRCh37_chr2:86272354-86273553; plus strand). Cytogenetic location: 2p11.2.
Variant type: single nucleotide variant.
Coding change: c.2767G>A on transcript NM_015425.6 (MANE Select); coding-DNA position 2767, G replaced by A.
Protein change: p.Gly923Ser; replaces glycine 923 with serine.
Molecular consequence: missense variant.
Genome position (GRCh38, 1-based): chr2:86,045,736, C>T on the plus strand (G>A on the coding strand, the complement: POLR1A is on the minus strand). VCF-style: chr2-86045736-C-T. GRCh37 (hg19) VCF-style: chr2-86272859-C-T.
Other names: short protein forms G923S.
Identifiers: ClinVar variation 1302727 (VCV001302727.2), dbSNP rs2104392793, ClinGen allele CA347539198.